The following is an entry in ClinVar:

NM_001365951.3(KIF1B):c.1130C>T (p.Thr377Ile)

Gene: KIF1B (kinesin family member 1B; plus strand). Cytogenetic location: 1p36.22.
Variant type: single nucleotide variant.
Coding change: c.1130C>T on transcript NM_001365951.3 (MANE Select); coding-DNA position 1130, C replaced by T.
Protein change: p.Thr377Ile; replaces threonine 377 with isoleucine.
Molecular consequence: missense variant.
Genome position (GRCh38, 1-based): chr1:10,278,078, C>T. VCF-style: chr1-10278078-C-T. GRCh37 (hg19) VCF-style: chr1-10338136-C-T.
Other names: c.1130C>T, p.Thr377Ile (NM_001365952.1); c.1112C>T, p.Thr371Ile (NM_001365953.1, NM_015074.3, NM_183416.4); short protein forms T371I, T377I.
Identifiers: ClinVar variation 1684839 (VCV001684839.11), dbSNP rs1372224953, ClinGen allele CA338334382.

ClinVar aggregate classification (germline): Uncertain significance. Review status: criteria provided, multiple submitters, no conflicts (2 of 4 stars). 3 submissions from 3 submitters: Uncertain significance (3). Last evaluated 2025-08-30.

Conditions:
Charcot-Marie-Tooth disease type 2. Also called: Charcot-Marie-Tooth type 2. Identifiers: Orphanet 64746, MedGen C0270914, MONDO:0018993.

Allele frequency attached by ClinVar (database versions not stated): gnomAD exomes below 0.00001.
gnomAD v4.1: 6 of 1,613,982 alleles (0.00037%); highest among the groups gnomAD compares: Middle Eastern, 0.033%; no homozygotes.

Submissions (3):

Ambry Genetics
Classification: Uncertain significance. Last evaluated: 2025-08-30. Review status: criteria provided, single submitter. Criteria: Ambry Variant Classification Scheme 2023. Collection method: clinical testing. Allele origin: germline.
Comment: The p.T371I variant (also known as c.1112C>T), located in coding exon 11 of the KIF1B gene, results from a C to T substitution at nucleotide position 1112. The threonine at codon 371 is replaced by isoleucine, an amino acid with similar properties. This amino acid position is well conserved in available vertebrate species. In addition, this alteration is predicted to be tolerated by in silico analysis. The evidence for this gene-disease relationship is limited; therefore, the clinical significance of this alteration is unclear.

Labcorp Genetics (formerly Invitae), Labcorp
Classification: Uncertain significance for Charcot-Marie-Tooth disease type 2. Last evaluated: 2022-09-21. Review status: criteria provided, single submitter. Criteria: Invitae Variant Classification Sherloc (09022015). Collection method: clinical testing. Allele origin: germline.
Comment: In summary, the available evidence is currently insufficient to determine the role of this variant in disease. Therefore, it has been classified as a Variant of Uncertain Significance. Advanced modeling of protein sequence and biophysical properties (such as structural, functional, and spatial information, amino acid conservation, physicochemical variation, residue mobility, and thermodynamic stability) performed at Invitae indicates that this missense variant is not expected to disrupt KIF1B protein function. This variant has not been reported in the literature in individuals affected with KIF1B-related conditions. This variant is present in population databases (no rsID available, gnomAD 0.0009%). This sequence change replaces threonine, which is neutral and polar, with isoleucine, which is neutral and non-polar, at codon 371 of the KIF1B protein (p.Thr371Ile).

Mendelics
Classification: Uncertain significance. Last evaluated: 2022-05-04. Review status: criteria provided, single submitter. Criteria: Mendelics Assertion Criteria 2019. Collection method: clinical testing. Allele origin: germline.